The following is an entry in ClinVar:

ClinVar aggregate classification (germline): Uncertain significance (1 of 4 stars; one submission).

Submission:

GeneDx
Classification: Uncertain significance. Last evaluated: 2024-11-21. Review status: criteria provided, single submitter. Criteria: GeneDx Variant Classification Process June 2021. Collection method: clinical testing. Allele origin: germline. Affected: yes.
Comment: Not observed at significant frequency in large population cohorts (gnomAD); In silico analysis supports that this missense variant has a deleterious effect on protein structure/function; Has not been previously published as pathogenic or benign to our knowledge.

NM_001394062.1(MACF1):c.13928C>G (p.Pro4643Arg)

Gene: MACF1 (microtubule actin crosslinking factor 1; plus strand). Cytogenetic location: 1p34.3.
Variant type: single nucleotide variant.
Coding change: c.13928C>G on transcript NM_001394062.1 (MANE Select); coding-DNA position 13928, C replaced by G.
Protein change: p.Pro4643Arg; replaces proline 4643 with arginine.
Molecular consequence: missense variant.
Genome position (GRCh38, 1-based): chr1:39,385,513, C>G. VCF-style: chr1-39385513-C-G. GRCh37 (hg19) VCF-style: chr1-39851185-C-G.
Other names: c.7742C>G, p.Pro2581Arg (NM_012090.5); short protein forms P2581R, P4643R.
Identifiers: ClinVar variation 3900385 (VCV003900385.1).